The following is an entry in ClinVar:

ClinVar aggregate classification (germline): Uncertain significance (1 of 4 stars; one submission).

Conditions:
Familial hemophagocytic lymphohistiocytosis 3 (FHL3). Also called: UNC13D-Related Familial Hemophagocytic Lymphohistiocytosis (UNC13D-fHLH). Identifiers: Orphanet 540, MedGen C1837174, MONDO:0012146, OMIM 608898.

Submission:

Labcorp Genetics (formerly Invitae), Labcorp
Classification: Uncertain significance for Familial hemophagocytic lymphohistiocytosis 3. Last evaluated: 2022-10-17. Review status: criteria provided, single submitter. Criteria: Invitae Variant Classification Sherloc (09022015). Collection method: clinical testing. Allele origin: germline.
Comment: This sequence change replaces valine, which is neutral and non-polar, with alanine, which is neutral and non-polar, at codon 987 of the UNC13D protein (p.Val987Ala). This variant is not present in population databases (gnomAD no frequency). This variant has not been reported in the literature in individuals affected with UNC13D-related conditions. Advanced modeling of protein sequence and biophysical properties (such as structural, functional, and spatial information, amino acid conservation, physicochemical variation, residue mobility, and thermodynamic stability) has been performed at Invitae for this missense variant, however the output from this modeling did not meet the statistical confidence thresholds required to predict the impact of this variant on UNC13D protein function. In summary, the available evidence is currently insufficient to determine the role of this variant in disease. Therefore, it has been classified as a Variant of Uncertain Significance.

NM_199242.3(UNC13D):c.2960T>C (p.Val987Ala)

Gene: UNC13D (unc-13 homolog D; minus strand). Cytogenetic location: 17q25.1.
Variant type: single nucleotide variant.
Coding change: c.2960T>C on transcript NM_199242.3 (MANE Select); coding-DNA position 2960, T replaced by C.
Protein change: p.Val987Ala; replaces valine 987 with alanine.
Molecular consequence: missense variant.
Genome position (GRCh38, 1-based): chr17:75,828,978, A>G on the plus strand (T>C on the coding strand, the complement: UNC13D is on the minus strand). VCF-style: chr17-75828978-A-G. GRCh37 (hg19) VCF-style: chr17-73825059-A-G.
Other names: short protein forms V987A.
Identifiers: ClinVar variation 1912680 (VCV001912680.2), dbSNP rs1481577022, ClinGen allele CA401075594.